The following is an entry in ClinVar:

NM_004104.5(FASN):c.4919+4A>T

Gene: FASN (fatty acid synthase; minus strand). Cytogenetic location: 17q25.3.
Variant type: single nucleotide variant.
Coding change: c.4919+4A>T on transcript NM_004104.5 (MANE Select); 4 bases into the intron after coding-DNA position 4919, A replaced by T.
Molecular consequence: intron variant.
Genome position (GRCh38, 1-based): chr17:82,084,230, T>A on the plus strand (A>T on the coding strand, the complement: FASN is on the minus strand). VCF-style: chr17-82084230-T-A. GRCh37 (hg19) VCF-style: chr17-80042106-T-A.
Identifiers: ClinVar variation 1370404 (VCV001370404.6), dbSNP rs563235937, ClinGen allele CA2573155001.

ClinVar aggregate classification (germline): Uncertain significance (1 of 4 stars; one submission).

Conditions:
Epileptic encephalopathy. Identifiers: MedGen C0543888, HP:0200134.

Submission:

Labcorp Genetics (formerly Invitae), Labcorp
Classification: Uncertain significance for Epileptic encephalopathy. Last evaluated: 2025-01-06. Review status: criteria provided, single submitter. Criteria: Invitae Variant Classification Sherloc (09022015). Collection method: clinical testing. Allele origin: germline.
Comment: This sequence change falls in intron 28 of the FASN gene. It does not directly change the encoded amino acid sequence of the FASN protein. It affects a nucleotide within the consensus splice site. This variant is not present in population databases (gnomAD no frequency). This variant has not been reported in the literature in individuals affected with FASN-related conditions. ClinVar contains an entry for this variant (Variation ID: 1370404). Variants that disrupt the consensus splice site are a relatively common cause of aberrant splicing (PMID: 17576681, 9536098). Algorithms developed to predict the effect of sequence changes on RNA splicing suggest that this variant may disrupt the consensus splice site. In summary, the available evidence is currently insufficient to determine the role of this variant in disease. Therefore, it has been classified as a Variant of Uncertain Significance.

Literature cited by the submitters: PubMed 17576681; PubMed 9536098.